The following is an entry in ClinVar:

NM_198503.5(KCNT2):c.563T>A (p.Ile188Asn)

Gene: KCNT2 (potassium sodium-activated channel subfamily T member 2; minus strand). Cytogenetic location: 1q31.3.
Variant type: single nucleotide variant.
Coding change: c.563T>A on transcript NM_198503.5 (MANE Select); coding-DNA position 563, T replaced by A.
Protein change: p.Ile188Asn; replaces isoleucine 188 with asparagine.
Molecular consequence: missense variant. On other transcripts: non-coding transcript variant (2).
Genome position (GRCh38, 1-based): chr1:196,465,368, A>T on the plus strand (T>A on the coding strand, the complement: KCNT2 is on the minus strand). VCF-style: chr1-196465368-A-T. GRCh37 (hg19) VCF-style: chr1-196434498-A-T.
Other names: c.563T>A, p.Ile188Asn (NM_001287819.3, NM_001287820.3); short protein forms I188N.
Identifiers: ClinVar variation 4090767 (VCV004090767.1).

ClinVar aggregate classification (germline): Uncertain significance (1 of 4 stars; one submission).

Conditions:
Inborn genetic diseases. Identifiers: MedGen C0950123, MeSH D030342.

Submission:

Ambry Genetics
Classification: Uncertain significance for Inborn genetic diseases. Last evaluated: 2025-07-16. Review status: criteria provided, single submitter. Criteria: Ambry Variant Classification Scheme 2023. Collection method: clinical testing. Allele origin: germline.
Comment: The c.563T>A (p.I188N) alteration is located in exon 8 (coding exon 8) of the KCNT2 gene. This alteration results from a T to A substitution at nucleotide position 563, causing the isoleucine (I) at amino acid position 188 to be replaced by an asparagine (N). This variant was not reported in population-based cohorts in the Genome Aggregation Database (gnomAD). This amino acid position is highly conserved in available vertebrate species. The in silico prediction for this alteration is inconclusive. Based on insufficient or conflicting evidence, the clinical significance of this alteration remains unclear.